The following is an entry in ClinVar:

NM_152564.5(VPS13B):c.995A>G (p.Glu332Gly)

Gene: VPS13B (vacuolar protein sorting 13 homolog B; plus strand). Cytogenetic location: 8q22.2.
Variant type: single nucleotide variant.
Coding change: c.995A>G on transcript NM_152564.5 (MANE Select); coding-DNA position 995, A replaced by G.
Protein change: p.Glu332Gly; replaces glutamic acid 332 with glycine.
Molecular consequence: missense variant. On other transcripts: non-coding transcript variant (1).
Genome position (GRCh38, 1-based): chr8:99,121,234, A>G. VCF-style: chr8-99121234-A-G. GRCh37 (hg19) VCF-style: chr8-100133462-A-G.
Other names: c.995A>G, p.Glu332Gly (NM_015243.3, NM_017890.5, NM_181661.3); short protein forms E332G.
Identifiers: ClinVar variation 2146008 (VCV002146008.2), dbSNP rs1243904228, ClinGen allele CA371860879.

ClinVar aggregate classification (germline): Uncertain significance. Review status: criteria provided, multiple submitters, no conflicts (2 of 4 stars). 2 submissions from 2 submitters: Uncertain significance (2). Last evaluated 2023-11-27.

Conditions:
Cohen syndrome (COH1). Also called: PEPPER SYNDROME; Cutis verticis gyrata, retinitis pigmentosa, and sensorineural deafness. Identifiers: Orphanet 193, MedGen C0265223, MONDO:0008999, OMIM 216550.

Allele frequency attached by ClinVar (database versions not stated): gnomAD 0.00001; TOPMed 0.00001.
gnomAD v4.1: 9 of 1,614,022 alleles (0.00056%); highest among the groups gnomAD compares: Non-Finnish European, 0.00076%; no homozygotes.

Submissions (2):

Blueprint Genetics
Classification: Uncertain significance. Last evaluated: 2023-11-27. Review status: criteria provided, single submitter. Criteria: ACMG Guidelines, 2015. Collection method: clinical testing. Allele origin: germline.

Labcorp Genetics (formerly Invitae), Labcorp
Classification: Uncertain significance for Cohen syndrome. Last evaluated: 2022-05-16. Review status: criteria provided, single submitter. Criteria: Invitae Variant Classification Sherloc (09022015). Collection method: clinical testing. Allele origin: germline.
Comment: This sequence change replaces glutamic acid, which is acidic and polar, with glycine, which is neutral and non-polar, at codon 332 of the VPS13B protein (p.Glu332Gly). This variant is not present in population databases (gnomAD no frequency). This variant has not been reported in the literature in individuals affected with VPS13B-related conditions. Algorithms developed to predict the effect of missense changes on protein structure and function are either unavailable or do not agree on the potential impact of this missense change (SIFT: "Not Available"; PolyPhen-2: "Possibly Damaging"; Align-GVGD: "Not Available"). In summary, the available evidence is currently insufficient to determine the role of this variant in disease. Therefore, it has been classified as a Variant of Uncertain Significance.